The following is an entry in ClinVar:

ClinVar aggregate classification (germline): Benign/Likely benign. Review status: criteria provided, multiple submitters, no conflicts (2 of 4 stars). 4 submissions from 4 submitters: Benign (1); Likely benign (3). Last evaluated 2026-01-12.

Conditions:
CHKB-related disorder. Also called: CHKB-related condition.
Megaconial type congenital muscular dystrophy (MDCMC). Also called: CHKB-Related Muscle Diseases; CHKB-Related Muscular Dystrophy; MUSCULAR DYSTROPHY, CONGENITAL, WITH MITOCHONDRIAL STRUCTURAL ABNORMALITIES. Identifiers: Orphanet 280671, MedGen C1865233, MONDO:0011246, OMIM 602541.

Allele frequency attached by ClinVar (database versions not stated): gnomAD exomes 0.00023; ExAC 0.00033; 1000 Genomes Project 0.00080; gnomAD 0.00080 and 0.00086; TOPMed 0.00102; ESP Exome Variant Server 0.00108; 1000 Genomes Project 30x 0.00125.
gnomAD v4.1: 253 of 1,613,992 alleles (0.016%); highest among the groups gnomAD compares: African/African-American, 0.3%; 1 homozygote.

Submissions (4):

Labcorp Genetics (formerly Invitae), Labcorp
Classification: Benign for Megaconial type congenital muscular dystrophy. Last evaluated: 2026-01-12. Review status: criteria provided, single submitter. Criteria: Invitae Variant Classification Sherloc (09022015). Collection method: clinical testing. Allele origin: germline.

PreventionGenetics, part of Exact Sciences
Classification: Likely benign for CHKB-related condition. Last evaluated: 2025-10-08. Review status: criteria provided, single submitter. Criteria: ACMG Guidelines, 2015. Collection method: clinical testing. Allele origin: germline.
Comment: This variant is classified as likely benign based on ACMG/AMP sequence variant interpretation guidelines (Richards et al. 2015 PMID: 25741868, with internal and published modifications).

Blueprint Genetics
Classification: Likely benign. Last evaluated: 2022-12-05. Review status: criteria provided, single submitter. Criteria: ACMG Guidelines, 2015. Collection method: clinical testing. Allele origin: germline.

GeneDx
Classification: Likely benign. Last evaluated: 2019-12-13. Review status: criteria provided, single submitter. Criteria: GeneDx Variant Classification Process June 2021. Collection method: clinical testing. Allele origin: germline. Affected: yes.

NM_005198.5(CHKB):c.737-7C>T

Genes: CHKB (choline kinase beta; minus strand), CHKB-CPT1B (CHKB-CPT1B readthrough (NMD candidate); minus strand). Cytogenetic location: 22q13.33.
Variant type: single nucleotide variant.
Coding change: c.737-7C>T on transcript NM_005198.5 (MANE Select); 7 bases into the intron before coding-DNA position 737, C replaced by T.
Molecular consequence: intron variant.
Genome position (GRCh38, 1-based): chr22:50,580,278, G>A on the plus strand (C>T on the coding strand, the complement: CHKB is on the minus strand). VCF-style: chr22-50580278-G-A. GRCh37 (hg19) VCF-style: chr22-51018707-G-A.
Identifiers: ClinVar variation 384487 (VCV000384487.16), dbSNP rs192728067, ClinGen allele CA10323645.